The following is an entry in ClinVar:

ClinVar aggregate classification (germline): Uncertain significance (1 of 4 stars; one submission).

Submission:

Labcorp Genetics (formerly Invitae), Labcorp
Classification: Uncertain significance. Last evaluated: 2022-02-03. Review status: criteria provided, single submitter. Criteria: Invitae Variant Classification Sherloc (09022015). Collection method: clinical testing. Allele origin: germline.
Comment: In summary, the available evidence is currently insufficient to determine the role of this variant in disease. Therefore, it has been classified as a Variant of Uncertain Significance. Advanced modeling of protein sequence and biophysical properties (such as structural, functional, and spatial information, amino acid conservation, physicochemical variation, residue mobility, and thermodynamic stability) performed at Invitae indicates that this missense variant is expected to disrupt LRP5 protein function. ClinVar contains an entry for this variant (Variation ID: 1000513). This variant has not been reported in the literature in individuals affected with LRP5-related conditions. This variant is not present in population databases (gnomAD no frequency). This sequence change replaces proline, which is neutral and non-polar, with alanine, which is neutral and non-polar, at codon 628 of the LRP5 protein (p.Pro628Ala).

NM_002335.4(LRP5):c.1882C>G (p.Pro628Ala)

Gene: LRP5 (LDL receptor related protein 5; plus strand). Cytogenetic location: 11q13.2.
Variant type: single nucleotide variant.
Coding change: c.1882C>G on transcript NM_002335.4 (MANE Select); coding-DNA position 1882, C replaced by G.
Protein change: p.Pro628Ala; replaces proline 628 with alanine.
Molecular consequence: missense variant.
Genome position (GRCh38, 1-based): chr11:68,406,604, C>G. VCF-style: chr11-68406604-C-G. GRCh37 (hg19) VCF-style: chr11-68174072-C-G.
Other names: c.139C>G, p.Pro47Ala (NM_001291902.2); short protein forms P47A, P628A.
Identifiers: ClinVar variation 1000513 (VCV001000513.10), dbSNP rs2098655833, ClinGen allele CA381615487.